The following is an entry in ClinVar:

ClinVar aggregate classification (germline): Pathogenic. Review status: criteria provided, multiple submitters, no conflicts (2 of 4 stars). 3 submissions from 3 submitters: Pathogenic (2). 1 of the submissions does not count toward it. Last evaluated 2026-04-10.

Conditions:
Marfan Syndrome/Loeys-Dietz Syndrome/Familial Thoracic Aortic Aneurysms and Dissections. Identifiers: MedGen CN229799.
Marfan syndrome (MFS). Also called: Marfan syndrome type 1; Marfan syndrome, classic; Marfan's syndrome; FBN1-Related Marfan Syndrome; MARFAN SYNDROME, TYPE I. Identifiers: Orphanet 284963, Orphanet 558, MedGen C0024796, MONDO:0007947, OMIM 154700.
Familial thoracic aortic aneurysm and aortic dissection (TAAD). Also called: Thoracic aortic aneurysms and dissections. Identifiers: Orphanet 91387, MedGen C4707243, MONDO:0019625.

Submissions (3):

Women's Health and Genetics/Laboratory Corporation of America, LabCorp
Classification: Pathogenic for Marfan Syndrome/Loeys-Dietz Syndrome/Familial Thoracic Aortic Aneurysms and Dissections. Last evaluated: 2026-04-10. Review status: criteria provided, single submitter. Criteria: LabCorp Variant Classification Summary - May 2015. Collection method: clinical testing. Allele origin: germline.
Comment: Variant summary: FBN1 c.5156G>A (p.Cys1719Tyr) results in a non-conservative amino acid change in the encoded protein sequence. Algorithms developed to predict the effect of missense changes on protein structure and function all suggest that this variant is likely to be disruptive. Missense mutations affecting cysteine residues are listed among the criteria for a causal FBN1 mutation when identified as de novo (with proven paternity) in the revised Ghent criteria for the diagnosis of Marfan and related conditions (Loeys 2010). The variant was absent in 255354 control chromosomes. c.5156G>A has been observed in the presumed heterozygous state in multiple individual(s) affected with clinical features of Marfan Syndrome (example, Stheneur_2009, Goff_2011, Xu_2020). These data indicate that the variant is likely to be associated with disease. At least one publication reports experimental evidence evaluating an impact on protein function. The most pronounced variant effect results in 10%-<30% of normal fibrillin secretion in vitro (example, Jensen_2015). The following publications have been ascertained in the context of this evaluation (PMID: 19293843, 21683322, 31830381, 25979247). ClinVar contains an entry for this variant (Variation ID: 549263). Based on the evidence outlined above, the variant was classified as pathogenic.

Labcorp Genetics (formerly Invitae), Labcorp
Classification: Pathogenic for Marfan syndrome; Familial thoracic aortic aneurysm and aortic dissection. Last evaluated: 2019-01-08. Review status: criteria provided, single submitter. Criteria: Invitae Variant Classification Sherloc (09022015). Collection method: clinical testing. Allele origin: germline.
Comment: This variant affects a cysteine residue in the EGF-like, TGFBP or hybrid motif domains of FBN1. Cysteine residues are believed to be involved in intramolecular disulfide bridges and have been shown to be important for FBN1 protein structure (PMID: 16905551, 19349279). In addition, missense substitutions affecting cysteine residues within these domains are significantly overrepresented among patients with Marfan syndrome (PMID: 16571647, 17701892). For these reasons, this variant has been classified as Pathogenic. This variant has been reported to affect FBN1 protein function (PMID: 25979247). This variant has been observed to be de novo in an individual affected with clinical features of Marfan syndrome (PMID: 19293843). ClinVar contains an entry for this variant (Variation ID: 549263). This variant is not present in population databases (ExAC no frequency). This sequence change replaces cysteine with tyrosine at codon 1719 of the FBN1 protein (p.Cys1719Tyr). The cysteine residue is highly conserved and there is a large physicochemical difference between cysteine and tyrosine.

Center for Medical Genetics Ghent, University of Ghent
Classification: Likely pathogenic for Marfan syndrome. Last evaluated: 2017-11-07. Review status: no assertion criteria provided. Collection method: clinical testing. Allele origin: germline. Affected: yes. Not counted in ClinVar's aggregate classification.

Literature cited by the submitters: PubMed 19293843 (cited by Women's Health and Genetics/Laboratory Corporation of America, LabCorp and Labcorp Genetics (formerly Invitae), Labcorp); PubMed 21683322 (cited by Women's Health and Genetics/Laboratory Corporation of America, LabCorp); PubMed 31830381 (cited by Women's Health and Genetics/Laboratory Corporation of America, LabCorp); PubMed 25979247 (cited by Women's Health and Genetics/Laboratory Corporation of America, LabCorp and Labcorp Genetics (formerly Invitae), Labcorp); PubMed 16905551 (cited by Labcorp Genetics (formerly Invitae), Labcorp); PubMed 19349279 (cited by Labcorp Genetics (formerly Invitae), Labcorp); PubMed 16571647 (cited by Labcorp Genetics (formerly Invitae), Labcorp); PubMed 17701892 (cited by Labcorp Genetics (formerly Invitae), Labcorp).

NM_000138.5(FBN1):c.5156G>A (p.Cys1719Tyr)

Gene: FBN1 (fibrillin 1; minus strand). Cytogenetic location: 15q21.1.
Variant type: single nucleotide variant.
Coding change: c.5156G>A on transcript NM_000138.5 (MANE Select); coding-DNA position 5156, G replaced by A.
Protein change: p.Cys1719Tyr; replaces cysteine 1719 with tyrosine.
Molecular consequence: missense variant.
Genome position (GRCh38, 1-based): chr15:48,463,150, C>T on the plus strand (G>A on the coding strand, the complement: FBN1 is on the minus strand). VCF-style: chr15-48463150-C-T. GRCh37 (hg19) VCF-style: chr15-48755347-C-T.
Other names: short protein forms C1719Y.
Identifiers: ClinVar variation 549263 (VCV000549263.11), dbSNP rs1555396769, ClinGen allele CA16609287.
Genomic context (GRCh38, chr15:48,463,150, plus strand): 5'-GGGATGGGACACTGTTCACAGGGCTTGTTCCACGCCCGGCCAATGTTGTAGGAACAGCAG[C>T]ACATCTTCTTGGTCATGTTGAATAACAATTCTCCATCACAGGTCTGGTTGTCAGCATAGT-3'
Protein context (NP_000129.3, residues 1709-1729): ELLFNMTKKM[Cys1719Tyr]CCSYNIGRAW